The following is an entry in ClinVar:

NM_002294.3(LAMP2):c.1141G>T (p.Val381Leu)

Gene: LAMP2 (lysosome associated membrane protein 2; minus strand). Cytogenetic location: Xq24.
Variant type: single nucleotide variant.
Coding change: c.1141G>T on transcript NM_002294.3 (MANE Select); coding-DNA position 1141, G replaced by T.
Protein change: p.Val381Leu; replaces valine 381 with leucine.
Molecular consequence: missense variant. On other transcripts: intron variant (1).
Genome position (GRCh38, 1-based): chrX:120,431,415, C>A on the plus strand (G>T on the coding strand, the complement: LAMP2 is on the minus strand). VCF-style: chrX-120431415-C-A. GRCh37 (hg19) VCF-style: chrX-119565270-C-A.
Other names: c.1094-2789G>T (NM_001122606.1); short protein forms V381L.
Identifiers: ClinVar variation 3359586 (VCV003359586.2).
Genomic context (GRCh38, chrX:120,431,415, plus strand): 5'-TGAGACCAATAAAATAAGCCAGCAACACTAGAATAAGTACTCCTGCCAAGGCAGCTCCCA[C>A]CGCTATGGGCACAAGGAAGTTGTCGTCATCTGCACTGCAGTCTTGAGCTAGATGTGGAGA-3'
Protein context (NP_002285.1, residues 371-391): DDDNFLVPIA[Val381Leu]GAALAGVLIL

ClinVar aggregate classification (germline): Uncertain significance (1 of 4 stars; one submission).

gnomAD v4.1: 1 of 1,211,144 alleles (0.000083%); highest among the groups gnomAD compares: Non-Finnish European, 0.00011%; no homozygotes.

Submission:

GeneDx
Classification: Uncertain significance. Last evaluated: 2026-09-17. Review status: criteria provided, single submitter. Criteria: GeneDx Variant Classification Process June 2021. Collection method: clinical testing. Allele origin: germline.
Comment: Not observed at significant frequency in large population cohorts (gnomAD); In silico analysis supports that this missense variant has a deleterious effect on protein structure/function; Has not been previously published as pathogenic or benign to our knowledge